The following is an entry in ClinVar:

ClinVar aggregate classification (germline): Uncertain significance. Review status: criteria provided, multiple submitters, no conflicts (2 of 4 stars). 2 submissions from 2 submitters: Uncertain significance (2). Last evaluated 2024-03-03.

Conditions:
Early-infantile DEE. Also called: Early infantile epileptic encephalopathy with suppression bursts; Early infantile epileptic encephalopathy; Ohtahara syndrome. Identifiers: Orphanet 1934, MedGen C0393706, MONDO:0800491.

Submissions (2):

Labcorp Genetics (formerly Invitae), Labcorp
Classification: Uncertain significance for Early-infantile DEE. Last evaluated: 2024-03-03. Review status: criteria provided, single submitter. Criteria: Invitae Variant Classification Sherloc (09022015). Collection method: clinical testing. Allele origin: germline.
Comment: This sequence change replaces proline, which is neutral and non-polar, with leucine, which is neutral and non-polar, at codon 117 of the SCN8A protein (p.Pro117Leu). This variant is not present in population databases (gnomAD no frequency). This variant has not been reported in the literature in individuals affected with SCN8A-related conditions. ClinVar contains an entry for this variant (Variation ID: 2443640). Advanced modeling of protein sequence and biophysical properties (such as structural, functional, and spatial information, amino acid conservation, physicochemical variation, residue mobility, and thermodynamic stability) has been performed at Invitae for this missense variant, however the output from this modeling did not meet the statistical confidence thresholds required to predict the impact of this variant on SCN8A protein function. In summary, the available evidence is currently insufficient to determine the role of this variant in disease. Therefore, it has been classified as a Variant of Uncertain Significance.

GeneDx
Classification: Uncertain significance. Last evaluated: 2022-09-08. Review status: criteria provided, single submitter. Criteria: GeneDx Variant Classification Process June 2021. Collection method: clinical testing. Allele origin: germline. Affected: yes.
Comment: Not observed at significant frequency in large population cohorts (gnomAD); Missense variants in this gene are often considered pathogenic (HGMD); In silico analysis supports that this missense variant has a deleterious effect on protein structure/function; Has not been previously published as pathogenic or benign to our knowledge; This substitution is predicted to be within N-terminal cytoplasmic domain

NM_001330260.2(SCN8A):c.350C>T (p.Pro117Leu)

Gene: SCN8A (sodium voltage-gated channel alpha subunit 8; plus strand). Cytogenetic location: 12q13.13.
Variant type: single nucleotide variant.
Coding change: c.350C>T on transcript NM_001330260.2 (MANE Select); coding-DNA position 350, C replaced by T.
Protein change: p.Pro117Leu; replaces proline 117 with leucine.
Molecular consequence: missense variant.
Genome position (GRCh38, 1-based): chr12:51,684,247, C>T. VCF-style: chr12-51684247-C-T. GRCh37 (hg19) VCF-style: chr12-52078031-C-T.
Other names: c.350C>T, p.Pro117Leu (NM_001369788.1, NM_014191.4, NM_001177984.3); short protein forms P117L.
Identifiers: ClinVar variation 2443640 (VCV002443640.3), dbSNP rs2540152201, ClinGen allele CA385221133.
Genomic context (GRCh38, chr12:51,684,247, plus strand): 5'-TAAACAGAGGGAAAACTCTCTTCAGATTTAGTGCCACGCCTGCCTTGTACATTTTAAGTC[C>T]TTTTAACCTGATAAGAAGAATAGCTATTAAAATTTTGATACATTCATATCCTTTTCGGCA-3'
Protein context (NP_001317189.1, residues 107-127): SATPALYILS[Pro117Leu]FNLIRRIAIK